The following is an entry in ClinVar:

ClinVar aggregate classification (germline): Benign/Likely benign. Review status: criteria provided, multiple submitters, no conflicts (2 of 4 stars). 4 submissions from 4 submitters: Benign (3); Likely benign (1). Last evaluated 2026-04-16.

Conditions:
Hereditary cancer-predisposing syndrome. Also called: Hereditary Cancer Syndrome; Neoplastic Syndromes, Hereditary; Hereditary neoplastic syndrome; Tumor predisposition. Identifiers: Orphanet 140162, MedGen C0027672, MeSH D009386, MONDO:0015356.
DICER1-related tumor predisposition. Also called: DICER1-related pleuropulmonary blastoma cancer predisposition syndrome; DICER1 syndrome. Identifiers: Orphanet 284343, MedGen C3839822, MONDO:0100216.

Allele frequency attached by ClinVar (database versions not stated): gnomAD 0.00006 and 0.00007; gnomAD exomes 0.00021 and 0.00003; TOPMed 0.00011; 1000 Genomes Project 30x 0.00016; ExAC 0.00016; 1000 Genomes Project 0.00020.
gnomAD v4.1: 48 of 1,613,808 alleles (0.003%); highest among the groups gnomAD compares: East Asian, 0.1%; no homozygotes.

Submissions (4):

Myriad Genetics, Inc.
Classification: Benign for DICER1-related tumor predisposition. Last evaluated: 2026-04-16. Review status: criteria provided, single submitter. Criteria: Myriad Autosomal Dominant, Autosomal Recessive and X-Linked Classification Criteria (2023). Collection method: clinical testing. Allele origin: unknown.
Comment: This variant is considered benign. This variant is a silent/synonymous amino acid change and it is not expected to impact splicing.

Labcorp Genetics (formerly Invitae), Labcorp
Classification: Benign for DICER1-related tumor predisposition. Last evaluated: 2026-01-27. Review status: criteria provided, single submitter. Criteria: Invitae Variant Classification Sherloc (09022015). Collection method: clinical testing. Allele origin: germline.

Sema4
Classification: Benign for Hereditary cancer-predisposing syndrome. Last evaluated: 2022-01-06. Review status: criteria provided, single submitter. Criteria: Sema4 Curation Guidelines. Collection method: curation. Allele origin: germline.

Ambry Genetics
Classification: Likely benign for Hereditary cancer-predisposing syndrome. Last evaluated: 2017-02-20. Review status: criteria provided, single submitter. Criteria: Ambry Variant Classification Scheme 2023. Collection method: clinical testing. Allele origin: germline.

NM_177438.3(DICER1):c.1953T>C (p.Pro651=)

Gene: DICER1 (dicer 1, ribonuclease III; minus strand). Cytogenetic location: 14q32.13.
Variant type: single nucleotide variant.
Coding change: c.1953T>C on transcript NM_177438.3 (MANE Select); coding-DNA position 1953, T replaced by C.
Protein change: p.Pro651=; no amino-acid change (proline 651 retained).
Molecular consequence: synonymous variant.
Genome position (GRCh38, 1-based): chr14:95,113,179, A>G on the plus strand (T>C on the coding strand, the complement: DICER1 is on the minus strand). VCF-style: chr14-95113179-A-G. GRCh37 (hg19) VCF-style: chr14-95579516-A-G.
Other names: c.1953T>C, p.Pro651= (NM_001195573.1, NM_001271282.3, NM_001291628.2 and 1 more transcripts).
Identifiers: ClinVar variation 417046 (VCV000417046.18), dbSNP rs199678028, ClinGen allele CA7331355.
Genomic context (GRCh38, chr14:95,113,179, plus strand): 5'-AATTGGCAGATAAAGAGTTGAATAAAATGTACCATCAGGCAACTCTCGGGTTCTGCATTT[A>G]GGAGCTAGATGAGTAAACGGATCACTTGGTAATCTAGCACAGTATCTGTGAAGAAAAAGA-3'
Protein context (NP_803187.1, residues 641-661): LPSDPFTHLA[Pro651=]KCRTRELPDG